The following is an entry in ClinVar:

NM_004385.5(VCAN):c.4461T>C (p.Pro1487=)

Genes: VCAN (versican; plus strand), VCAN-AS1 (VCAN antisense RNA 1; minus strand). Cytogenetic location: 5q14.3.
Variant type: single nucleotide variant.
Coding change: c.4461T>C on transcript NM_004385.5 (MANE Select); coding-DNA position 4461, T replaced by C.
Protein change: p.Pro1487=; no amino-acid change (proline 1487 retained).
Molecular consequence: synonymous variant. On other transcripts: intron variant (2).
Genome position (GRCh38, 1-based): chr5:83,537,464, T>C. VCF-style: chr5-83537464-T-C. GRCh37 (hg19) VCF-style: chr5-82833283-T-C.
Other names: c.4461T>C (NM_004385.4); c.1500T>C, p.Pro500= (NM_001164097.2); c.4004-8073T>C (NM_001164098.2); c.1043-8073T>C (NM_001126336.3).
Identifiers: ClinVar variation 1943677 (VCV001943677.8), dbSNP rs762086676, ClinGen allele CA3333174.

ClinVar aggregate classification (germline): Likely benign. Review status: criteria provided, multiple submitters, no conflicts (2 of 4 stars). 3 submissions from 3 submitters: Likely benign (2). 1 of the submissions does not count toward it. Last evaluated 2025-12-10.

Conditions:
VCAN-related disorder. Also called: VCAN-related condition.

Allele frequency attached by ClinVar (database versions not stated): gnomAD 0.00002; TOPMed 0.00002; ExAC 0.00003; gnomAD exomes 0.00006.
gnomAD v4.1: 83 of 1,613,862 alleles (0.0051%); highest among the groups gnomAD compares: Non-Finnish European, 0.0067%; no homozygotes.

Submissions (3):

Labcorp Genetics (formerly Invitae), Labcorp
Classification: Likely benign. Last evaluated: 2025-12-10. Review status: criteria provided, single submitter. Criteria: Invitae Variant Classification Sherloc (09022015). Collection method: clinical testing. Allele origin: germline.

Blueprint Genetics
Classification: Likely benign. Last evaluated: 2021-05-06. Review status: criteria provided, single submitter. Criteria: ACMG Guidelines, 2015. Collection method: clinical testing. Allele origin: germline.

PreventionGenetics, part of Exact Sciences
Classification: Likely benign for VCAN-related condition. Last evaluated: 2020-03-23. Review status: no assertion criteria provided. Collection method: clinical testing. Allele origin: germline. Not counted in ClinVar's aggregate classification.
Comment: This variant is classified as likely benign based on ACMG/AMP sequence variant interpretation guidelines (Richards et al. 2015 PMID: 25741868, with internal and published modifications).